The following is an entry in ClinVar:

ClinVar aggregate classification (germline): Uncertain significance. Review status: criteria provided, multiple submitters, no conflicts (2 of 4 stars). 2 submissions from 2 submitters: Uncertain significance (2). Last evaluated 2025-10-17.

Conditions:
Inborn genetic diseases. Identifiers: MedGen C0950123, MeSH D030342.

Allele frequency attached by ClinVar (database versions not stated): ExAC 0.00002; gnomAD exomes 0.00002 and 0.00003; TOPMed 0.00002.
gnomAD v4.1: 9 of 1,614,214 alleles (0.00056%); highest among the groups gnomAD compares: Admixed American, 0.015%; no homozygotes.

Submissions (2):

Ambry Genetics
Classification: Uncertain significance for Inborn genetic diseases. Last evaluated: 2025-10-17. Review status: criteria provided, single submitter. Criteria: Ambry Variant Classification Scheme 2023. Collection method: clinical testing. Allele origin: germline.

GeneDx
Classification: Uncertain significance. Last evaluated: 2022-01-24. Review status: criteria provided, single submitter. Criteria: GeneDx Variant Classification Process June 2021. Collection method: clinical testing. Allele origin: germline. Affected: yes.
Comment: In silico analysis supports that this missense variant has a deleterious effect on protein structure/function; Has not been previously published as pathogenic or benign to our knowledge

NM_004771.4(MMP20):c.448A>C (p.Ser150Arg)

Gene: MMP20 (matrix metallopeptidase 20; minus strand). Cytogenetic location: 11q22.2.
Variant type: single nucleotide variant.
Coding change: c.448A>C on transcript NM_004771.4 (MANE Select); coding-DNA position 448, A replaced by C.
Protein change: p.Ser150Arg; replaces serine 150 with arginine.
Molecular consequence: missense variant.
Genome position (GRCh38, 1-based): chr11:102,611,830, T>G on the plus strand (A>C on the coding strand, the complement: MMP20 is on the minus strand). VCF-style: chr11-102611830-T-G. GRCh37 (hg19) VCF-style: chr11-102482561-T-G.
Other names: short protein forms S150R.
Identifiers: ClinVar variation 1698209 (VCV001698209.3), dbSNP rs761967557, ClinGen allele CA6248460.